The following is an entry in ClinVar:

NM_000297.4(PKD2):c.1450A>C (p.Ile484Leu)

Gene: PKD2 (polycystin 2, transient receptor potential cation channel; plus strand). Cytogenetic location: 4q22.1.
Variant type: single nucleotide variant.
Coding change: c.1450A>C on transcript NM_000297.4 (MANE Select); coding-DNA position 1450, A replaced by C.
Protein change: p.Ile484Leu; replaces isoleucine 484 with leucine.
Molecular consequence: missense variant. On other transcripts: non-coding transcript variant (1).
Genome position (GRCh38, 1-based): chr4:88,046,772, A>C. VCF-style: chr4-88046772-A-C. GRCh37 (hg19) VCF-style: chr4-88967924-A-C.
Other names: c.1225A>C, p.Ile409Leu (NM_001440544.1); short protein forms I409L, I484L.
Identifiers: ClinVar variation 4741075 (VCV004741075.1).

ClinVar aggregate classification (germline): Uncertain significance (1 of 4 stars; one submission).

Conditions:
Autosomal dominant polycystic kidney disease. Identifiers: Orphanet 730, MedGen C0085413, MONDO:0004691.

Submission:

Labcorp Genetics (formerly Invitae), Labcorp
Classification: Uncertain significance for Autosomal dominant polycystic kidney disease. Last evaluated: 2025-12-09. Review status: criteria provided, single submitter. Criteria: Invitae Variant Classification Sherloc (09022015). Collection method: clinical testing. Allele origin: germline.
Comment: This sequence change replaces isoleucine, which is neutral and non-polar, with leucine, which is neutral and non-polar, at codon 484 of the PKD2 protein (p.Ile484Leu). This variant is not present in population databases (gnomAD no frequency). This variant has not been reported in the literature in individuals affected with PKD2-related conditions. Invitae Evidence Modeling of protein sequence and biophysical properties (such as structural, functional, and spatial information, amino acid conservation, physicochemical variation, residue mobility, and thermodynamic stability) indicates that this missense variant is not expected to disrupt PKD2 protein function with a negative predictive value of 80%. In summary, the available evidence is currently insufficient to determine the role of this variant in disease. Therefore, it has been classified as a Variant of Uncertain Significance.